The following is an entry in ClinVar:

ClinVar aggregate classification (germline): Uncertain significance (1 of 4 stars; one submission).

Submission:

CeGaT Center for Human Genetics Tuebingen
Classification: Uncertain significance. Last evaluated: 2023-10-01. Review status: criteria provided, single submitter. Criteria: CeGaT Center For Human Genetics Tuebingen Variant Classification Criteria Version 2. Collection method: clinical testing. Allele origin: germline. Affected: yes. Observed: 1 variant allele.
Comment: KCNMA1: PM2, BP4

NM_001161352.2(KCNMA1):c.541-5T>C

Gene: KCNMA1 (potassium calcium-activated channel subfamily M alpha 1; minus strand). Cytogenetic location: 10q22.3.
Variant type: single nucleotide variant.
Coding change: c.541-5T>C on transcript NM_001161352.2 (MANE Select); 5 bases into the intron before coding-DNA position 541, T replaced by C.
Molecular consequence: intron variant.
Genome position (GRCh38, 1-based): chr10:77,251,261, A>G on the plus strand (T>C on the coding strand, the complement: KCNMA1 is on the minus strand). VCF-style: chr10-77251261-A-G. GRCh37 (hg19) VCF-style: chr10-79011019-A-G.
Other names: c.379-5T>C (NM_001271518.2); c.541-5T>C (NM_001322832.2, NM_001410940.1, NM_001322829.2 and 8 more transcripts); c.-76-5T>C (NM_001322838.2).
Identifiers: ClinVar variation 2640617 (VCV002640617.24), dbSNP rs2552083802, ClinGen allele CA2695200857.